The following is an entry in ClinVar:

NM_172107.4(KCNQ2):c.725G>C (p.Cys242Ser)

Gene: KCNQ2 (potassium voltage-gated channel subfamily Q member 2; minus strand). Cytogenetic location: 20q13.33.
Variant type: single nucleotide variant.
Coding change: c.725G>C on transcript NM_172107.4 (MANE Select); coding-DNA position 725, G replaced by C.
Protein change: p.Cys242Ser; replaces cysteine 242 with serine.
Molecular consequence: missense variant.
Genome position (GRCh38, 1-based): chr20:63,442,497, C>G on the plus strand (G>C on the coding strand, the complement: KCNQ2 is on the minus strand). VCF-style: chr20-63442497-C-G. GRCh37 (hg19) VCF-style: chr20-62073850-C-G.
Other names: c.725G>C, p.Cys242Ser (NM_001382235.1, NM_004518.6, NM_172106.3 and 2 more transcripts); short protein forms C242S.
Identifiers: ClinVar variation 2901474 (VCV002901474.3), dbSNP rs2081191454, ClinGen allele CA409653991.
Genomic context (GRCh38, chr20:63,442,497, plus strand): 5'-TCAAAGTGGTCGTTCTCCCCCTTCTCTGCCAAGTACACCAGGAACGAGGCCAGGATGAGA[C>G]AAAGGAAGCCGATGTACCAGGCAGTGACCAGCTCCTGAGAGGCAGACGGCACCACCATCA-3'
Protein context (NP_742105.1, residues 232-252): LVTAWYIGFL[Cys242Ser]LILASFLVYL

ClinVar aggregate classification (germline): Uncertain significance (1 of 4 stars; one submission).

Conditions:
Early-infantile DEE. Also called: Early infantile epileptic encephalopathy; Ohtahara syndrome; Early infantile epileptic encephalopathy with suppression bursts. Identifiers: Orphanet 1934, MedGen C0393706, MONDO:0800491.

Allele frequency attached by ClinVar (database versions not stated): TOPMed below 0.00001.

Submission:

Labcorp Genetics (formerly Invitae), Labcorp
Classification: Uncertain significance for Early-infantile DEE. Last evaluated: 2023-05-01. Review status: criteria provided, single submitter. Criteria: Invitae Variant Classification Sherloc (09022015). Collection method: clinical testing. Allele origin: germline.
Comment: This variant has not been reported in the literature in individuals affected with KCNQ2-related conditions. In summary, the available evidence is currently insufficient to determine the role of this variant in disease. Therefore, it has been classified as a Variant of Uncertain Significance. Advanced modeling of protein sequence and biophysical properties (such as structural, functional, and spatial information, amino acid conservation, physicochemical variation, residue mobility, and thermodynamic stability) performed at Invitae indicates that this missense variant is not expected to disrupt KCNQ2 protein function. This variant is not present in population databases (gnomAD no frequency). This sequence change replaces cysteine, which is neutral and slightly polar, with serine, which is neutral and polar, at codon 242 of the KCNQ2 protein (p.Cys242Ser).